The following is an entry in ClinVar:

NM_001195263.2(PDZD7):c.1749+6C>T

Gene: PDZD7 (PDZ domain containing 7; minus strand). Cytogenetic location: 10q24.31.
Variant type: single nucleotide variant.
Coding change: c.1749+6C>T on transcript NM_001195263.2 (MANE Select); 6 bases into the intron after coding-DNA position 1749, C replaced by T.
Molecular consequence: intron variant.
Genome position (GRCh38, 1-based): chr10:101,015,630, G>A on the plus strand (C>T on the coding strand, the complement: PDZD7 is on the minus strand). VCF-style: chr10-101015630-G-A. GRCh37 (hg19) VCF-style: chr10-102775387-G-A.
Identifiers: ClinVar variation 2121549 (VCV002121549.4), dbSNP rs751255809, ClinGen allele CA2580081105.

ClinVar aggregate classification (germline): Uncertain significance (1 of 4 stars; one submission).

Submission:

Labcorp Genetics (formerly Invitae), Labcorp
Classification: Uncertain significance. Last evaluated: 2024-10-23. Review status: criteria provided, single submitter. Criteria: Invitae Variant Classification Sherloc (09022015). Collection method: clinical testing. Allele origin: germline.
Comment: This sequence change falls in intron 11 of the PDZD7 gene. It does not directly change the encoded amino acid sequence of the PDZD7 protein. It affects a nucleotide within the consensus splice site. This variant is not present in population databases (gnomAD no frequency). This variant has not been reported in the literature in individuals affected with PDZD7-related conditions. ClinVar contains an entry for this variant (Variation ID: 2121549). Variants that disrupt the consensus splice site are a relatively common cause of aberrant splicing (PMID: 17576681, 9536098). Algorithms developed to predict the effect of sequence changes on RNA splicing suggest that this variant is not likely to affect RNA splicing. In summary, the available evidence is currently insufficient to determine the role of this variant in disease. Therefore, it has been classified as a Variant of Uncertain Significance.

Literature cited by the submitters: PubMed 17576681; PubMed 9536098.